The following is an entry in ClinVar:

NM_198253.3(TERT):c.2203C>G (p.Pro735Ala)

Gene: TERT (telomerase reverse transcriptase; minus strand). Cytogenetic location: 5p15.33.
Variant type: single nucleotide variant.
Coding change: c.2203C>G on transcript NM_198253.3 (MANE Select); coding-DNA position 2203, C replaced by G.
Protein change: p.Pro735Ala; replaces proline 735 with alanine.
Molecular consequence: missense variant. On other transcripts: non-coding transcript variant (2).
Genome position (GRCh38, 1-based): chr5:1,278,724, G>C on the plus strand (C>G on the coding strand, the complement: TERT is on the minus strand). VCF-style: chr5-1278724-G-C. GRCh37 (hg19) VCF-style: chr5-1278839-G-C.
Other names: c.2203C>G, p.Pro735Ala (NM_001193376.3); short protein forms P735A.
Identifiers: ClinVar variation 4783689 (VCV004783689.1).

ClinVar aggregate classification (germline): Uncertain significance (1 of 4 stars; one submission).

Conditions:
Dyskeratosis congenita, autosomal dominant 2. Identifiers: MedGen C3151443, MONDO:0013521, OMIM 613989.
Idiopathic Pulmonary Fibrosis. Also called: Idiopathic fibrosing alveolitis, chronic form; idiopathic fibrosing alveolitis. Identifiers: Orphanet 2032, MedGen C1800706, MeSH D054990, MONDO:0800504.

Submission:

Labcorp Genetics (formerly Invitae), Labcorp
Classification: Uncertain significance for Dyskeratosis congenita, autosomal dominant 2; Idiopathic Pulmonary Fibrosis. Last evaluated: 2025-07-25. Review status: criteria provided, single submitter. Criteria: Invitae Variant Classification Sherloc (09022015). Collection method: clinical testing. Allele origin: germline.
Comment: This sequence change replaces proline, which is neutral and non-polar, with alanine, which is neutral and non-polar, at codon 735 of the TERT protein (p.Pro735Ala). This variant is not present in population databases (gnomAD no frequency). This variant has not been reported in the literature in individuals affected with TERT-related conditions. Invitae Evidence Modeling of protein sequence and biophysical properties (such as structural, functional, and spatial information, amino acid conservation, physicochemical variation, residue mobility, and thermodynamic stability) indicates that this missense variant is expected to disrupt TERT protein function with a positive predictive value of 95%. In summary, the available evidence is currently insufficient to determine the role of this variant in disease. Therefore, it has been classified as a Variant of Uncertain Significance.